The following is an entry in ClinVar:

ClinVar aggregate classification (germline): Benign/Likely benign. Review status: criteria provided, multiple submitters, no conflicts (2 of 4 stars). 7 submissions from 7 submitters: Benign (3); Likely benign (2). 2 of the submissions do not count toward it. Last evaluated 2026-03-30.

Conditions:
Cardiovascular phenotype. Identifiers: MedGen CN230736.

Allele frequency attached by ClinVar (database versions not stated): gnomAD exomes 0.00140; ExAC 0.00227; 1000 Genomes Project 0.00659; gnomAD 0.00693 and 0.00765; 1000 Genomes Project 30x 0.00718; TOPMed 0.00769.
gnomAD v4.1: 2,078 of 1,550,142 alleles (0.13%); highest among the groups gnomAD compares: African/African-American, 2.6%; 28 homozygotes.

Submissions (7):

Women's Health and Genetics/Laboratory Corporation of America, LabCorp
Classification: Likely benign. Last evaluated: 2026-03-30. Review status: criteria provided, single submitter. Criteria: LabCorp Variant Classification Summary - May 2015. Collection method: clinical testing. Allele origin: germline.

Labcorp Genetics (formerly Invitae), Labcorp
Classification: Likely benign. Last evaluated: 2026-02-02. Review status: criteria provided, single submitter. Criteria: Invitae Variant Classification Sherloc (09022015). Collection method: clinical testing. Allele origin: germline.

Mayo Clinic Laboratories, Mayo Clinic
Classification: Benign. Last evaluated: 2023-04-20. Review status: criteria provided, single submitter. Criteria: ACMG Guidelines, 2015. Collection method: clinical testing. Allele origin: germline. Observed: 5 variant alleles.
Comment: BS1, BS2, BP4, BP7

Ambry Genetics
Classification: Benign for Cardiovascular phenotype. Last evaluated: 2019-05-03. Review status: criteria provided, single submitter. Criteria: Ambry Variant Classification Scheme 2023. Collection method: clinical testing. Allele origin: germline.

GeneDx
Classification: Benign. Last evaluated: 2018-05-03. Review status: criteria provided, single submitter. Criteria: GeneDx Variant Classification Process June 2021. Collection method: clinical testing. Allele origin: germline. Affected: yes.

Clinical Genetics DNA and cytogenetics Diagnostics Lab, Erasmus MC, Erasmus Medical Center
Classification: Benign. Review status: no assertion criteria provided. Collection method: clinical testing. Allele origin: germline. Affected: yes. Study: VKGL Data-share Consensus. Not counted in ClinVar's aggregate classification.

Genome Diagnostics Laboratory, Amsterdam University Medical Center
Classification: Benign. Review status: no assertion criteria provided. Collection method: clinical testing. Allele origin: germline. Affected: yes. Study: VKGL Data-share Consensus. Not counted in ClinVar's aggregate classification.

NM_001367624.2(ZNF469):c.2085C>T (p.Pro695=)

Gene: ZNF469 (zinc finger protein 469; plus strand). Cytogenetic location: 16q24.2.
Variant type: single nucleotide variant.
Coding change: c.2085C>T on transcript NM_001367624.2 (MANE Select); coding-DNA position 2085, C replaced by T.
Protein change: p.Pro695=; no amino-acid change (proline 695 retained).
Molecular consequence: synonymous variant.
Genome position (GRCh38, 1-based): chr16:88,429,555, C>T. VCF-style: chr16-88429555-C-T. GRCh37 (hg19) VCF-style: chr16-88495963-C-T.
Other names: NM_001127464.1:c.2085C>T; p.Pro695=.
Identifiers: ClinVar variation 320881 (VCV000320881.18), dbSNP rs74547407, ClinGen allele CA8224742.